The following is an entry in ClinVar:

ClinVar aggregate classification (germline): Uncertain significance. Review status: criteria provided, multiple submitters, no conflicts (2 of 4 stars). 3 submissions from 3 submitters: Uncertain significance (3). Last evaluated 2026-01-08.

Conditions:
Hereditary cancer-predisposing syndrome. Also called: Tumor predisposition; Hereditary Cancer Syndrome; Hereditary neoplastic syndrome; Neoplastic Syndromes, Hereditary. Identifiers: Orphanet 140162, MedGen C0027672, MeSH D009386, MONDO:0015356.
Hereditary pheochromocytoma and paraganglioma. Also called: Hereditary paragangliomas and pheochromocytomas; Hereditary Paraganglioma-Pheochromocytoma Syndromes; Hereditary pheochromocytoma-paraganglioma. Identifiers: Orphanet 29072, MedGen C4274332, MONDO:0017366.

Submissions (3):

Labcorp Genetics (formerly Invitae), Labcorp
Classification: Uncertain significance for Hereditary pheochromocytoma and paraganglioma. Last evaluated: 2026-01-08. Review status: criteria provided, single submitter. Criteria: Invitae Variant Classification Sherloc (09022015). Collection method: clinical testing. Allele origin: germline.
Comment: This sequence change replaces glutamine, which is neutral and polar, with arginine, which is basic and polar, at codon 44 of the SDHAF2 protein (p.Gln44Arg). This variant is not present in population databases (gnomAD no frequency). This variant has not been reported in the literature in individuals affected with SDHAF2-related conditions. ClinVar contains an entry for this variant (Variation ID: 1769858). An algorithm developed to predict the effect of missense changes on protein structure and function (PolyPhen-2) suggests that this variant is likely to be tolerated. In summary, the available evidence is currently insufficient to determine the role of this variant in disease. Therefore, it has been classified as a Variant of Uncertain Significance.

GeneDx
Classification: Uncertain significance. Last evaluated: 2022-09-05. Review status: criteria provided, single submitter. Criteria: GeneDx Variant Classification Process June 2021. Collection method: clinical testing. Allele origin: germline. Affected: yes.
Comment: Not observed at significant frequency in large population cohorts (gnomAD); In silico analysis supports that this missense variant does not alter protein structure/function; Has not been previously published as pathogenic or benign to our knowledge

Ambry Genetics
Classification: Uncertain significance for Hereditary cancer-predisposing syndrome. Last evaluated: 2022-07-23. Review status: criteria provided, single submitter. Criteria: Ambry Variant Classification Scheme 2023. Collection method: clinical testing. Allele origin: germline.
Comment: The p.Q44R variant (also known as c.131A>G), located in coding exon 2 of the SDHAF2 gene, results from an A to G substitution at nucleotide position 131. The glutamine at codon 44 is replaced by arginine, an amino acid with highly similar properties. This amino acid position is conserved. In addition, this alteration is predicted to be tolerated by in silico analysis. Since supporting evidence is limited at this time, the clinical significance of this alteration remains unclear.

NM_017841.4(SDHAF2):c.131A>G (p.Gln44Arg)

Gene: SDHAF2 (succinate dehydrogenase complex assembly factor 2; plus strand). Cytogenetic location: 11q12.2.
Variant type: single nucleotide variant.
Coding change: c.131A>G on transcript NM_017841.4 (MANE Select); coding-DNA position 131, A replaced by G.
Protein change: p.Gln44Arg; replaces glutamine 44 with arginine.
Molecular consequence: missense variant.
Genome position (GRCh38, 1-based): chr11:61,437,719, A>G. VCF-style: chr11-61437719-A-G. GRCh37 (hg19) VCF-style: chr11-61205191-A-G.
Other names: short protein forms Q44R.
Identifiers: ClinVar variation 1769858 (VCV001769858.6), dbSNP rs2540124170, ClinGen allele CA380683224.
Genomic context (GRCh38, chr11:61,437,719, plus strand): 5'-CTTTGCTCAGTGTGACATCATTCAGACGCTTCTACAGAGGTGACAGCCCAACAGATTCCC[A>G]AAAGGACATGATTGAAATCCCTTTGCCTCCATGGCAGGAGAGAACTGATGAATCCATAGA-3'
Protein context (NP_060311.1, residues 34-54): FYRGDSPTDS[Gln44Arg]KDMIEIPLPP